The following is an entry in ClinVar:

ClinVar aggregate classification (germline): Uncertain significance. Review status: criteria provided, multiple submitters, no conflicts (2 of 4 stars). 3 submissions from 3 submitters: Uncertain significance (3). Last evaluated 2026-01-22.

Conditions:
Dyskeratosis congenita, autosomal dominant 2. Identifiers: MedGen C3151443, MONDO:0013521, OMIM 613989.
Idiopathic Pulmonary Fibrosis. Also called: Idiopathic fibrosing alveolitis, chronic form; idiopathic fibrosing alveolitis. Identifiers: Orphanet 2032, MedGen C1800706, MeSH D054990, MONDO:0800504.
Dyskeratosis congenita. Identifiers: Orphanet 1775, MedGen C0265965, MONDO:0015780.

Allele frequency attached by ClinVar (database versions not stated): gnomAD exomes 0.00001.
gnomAD v4.1: 8 of 1,525,946 alleles (0.00052%); highest among the groups gnomAD compares: Non-Finnish European, 0.0007%; no homozygotes.

Submissions (3):

Labcorp Genetics (formerly Invitae), Labcorp
Classification: Uncertain significance for Dyskeratosis congenita, autosomal dominant 2; Idiopathic Pulmonary Fibrosis. Last evaluated: 2026-01-22. Review status: criteria provided, single submitter. Criteria: Invitae Variant Classification Sherloc (09022015). Collection method: clinical testing. Allele origin: germline.
Comment: This sequence change replaces proline, which is neutral and non-polar, with leucine, which is neutral and non-polar, at codon 65 of the TERT protein (p.Pro65Leu). This variant is not present in population databases (gnomAD no frequency). This variant has not been reported in the literature in individuals affected with TERT-related conditions. ClinVar contains an entry for this variant (Variation ID: 582480). Invitae Evidence Modeling of protein sequence and biophysical properties (such as structural, functional, and spatial information, amino acid conservation, physicochemical variation, residue mobility, and thermodynamic stability) indicates that this missense variant is not expected to disrupt TERT protein function with a negative predictive value of 95%. In summary, the available evidence is currently insufficient to determine the role of this variant in disease. Therefore, it has been classified as a Variant of Uncertain Significance.

Ambry Genetics
Classification: Uncertain significance for Dyskeratosis congenita. Last evaluated: 2025-01-06. Review status: criteria provided, single submitter. Criteria: Ambry Variant Classification Scheme 2023. Collection method: clinical testing. Allele origin: germline.
Comment: The p.P65L variant (also known as c.194C>T), located in coding exon 1 of the TERT gene, results from a C to T substitution at nucleotide position 194. The proline at codon 65 is replaced by leucine, an amino acid with similar properties. This amino acid position is not well conserved in available vertebrate species. In addition, this alteration is predicted to be tolerated by in silico analysis. The evidence for this gene-disease relationship is limited; therefore, the clinical significance of this alteration is unclear.

Baylor Genetics
Classification: Uncertain significance for Dyskeratosis congenita, autosomal dominant 2. Last evaluated: 2023-11-08. Review status: criteria provided, single submitter. Criteria: ACMG Guidelines, 2015. Collection method: clinical testing. Allele origin: unknown.

NM_198253.3(TERT):c.194C>T (p.Pro65Leu)

Genes: TERT (telomerase reverse transcriptase; minus strand), LOC110806263 (TERT 5' regulatory region; plus strand). Cytogenetic location: 5p15.33.
Variant type: single nucleotide variant.
Coding change: c.194C>T on transcript NM_198253.3 (MANE Select); coding-DNA position 194, C replaced by T.
Protein change: p.Pro65Leu; replaces proline 65 with leucine.
Molecular consequence: missense variant. On other transcripts: non-coding transcript variant (2).
Genome position (GRCh38, 1-based): chr5:1,294,796, G>A on the plus strand (C>T on the coding strand, the complement: TERT is on the minus strand). VCF-style: chr5-1294796-G-A. GRCh37 (hg19) VCF-style: chr5-1294911-G-A.
Other names: c.194C>T, p.Pro65Leu (NM_001193376.3); short protein forms P65L.
Identifiers: ClinVar variation 582480 (VCV000582480.14), dbSNP rs1561215067, ClinGen allele CA359058843.